The following is an entry in ClinVar:

NM_003640.5(ELP1):c.2585A>G (p.Gln862Arg)

Gene: ELP1 (elongator acetyltransferase complex subunit 1; minus strand). Cytogenetic location: 9q31.3.
Variant type: single nucleotide variant.
Coding change: c.2585A>G on transcript NM_003640.5 (MANE Select); coding-DNA position 2585, A replaced by G.
Protein change: p.Gln862Arg; replaces glutamine 862 with arginine.
Molecular consequence: missense variant.
Genome position (GRCh38, 1-based): chr9:108,896,955, T>C on the plus strand (A>G on the coding strand, the complement: ELP1 is on the minus strand). VCF-style: chr9-108896955-T-C. GRCh37 (hg19) VCF-style: chr9-111659235-T-C.
Other names: c.2243A>G, p.Gln748Arg (NM_001318360.2); c.1538A>G, p.Gln513Arg (NM_001330749.2); short protein forms Q862R, Q513R, Q748R.
Identifiers: ClinVar variation 1410483 (VCV001410483.5), dbSNP rs563636288, ClinGen allele CA5174597.

ClinVar aggregate classification (germline): Uncertain significance (1 of 4 stars; one submission).

Allele frequency attached by ClinVar (database versions not stated): ExAC 0.00001; gnomAD exomes 0.00001 and 0.00002; TOPMed 0.00001.
gnomAD v4.1: 15 of 1,613,630 alleles (0.00093%); highest among the groups gnomAD compares: Non-Finnish European, 0.0013%; no homozygotes.

Submission:

Labcorp Genetics (formerly Invitae), Labcorp
Classification: Uncertain significance. Last evaluated: 2021-08-28. Review status: criteria provided, single submitter. Criteria: Invitae Variant Classification Sherloc (09022015). Collection method: clinical testing. Allele origin: germline.
Comment: This sequence change replaces glutamine with arginine at codon 862 of the ELP1 protein (p.Gln862Arg). The glutamine residue is weakly conserved and there is a small physicochemical difference between glutamine and arginine. This variant is present in population databases (rs563636288, ExAC 0.001%). This variant has not been reported in the literature in individuals affected with ELP1-related conditions. Algorithms developed to predict the effect of missense changes on protein structure and function (SIFT, PolyPhen-2, Align-GVGD) all suggest that this variant is likely to be tolerated. In summary, the available evidence is currently insufficient to determine the role of this variant in disease. Therefore, it has been classified as a Variant of Uncertain Significance.